The following is an entry in ClinVar:

NM_025132.4(WDR19):c.3547A>G (p.Ile1183Val)

Gene: WDR19 (WD repeat domain 19; plus strand). Cytogenetic location: 4p14.
Variant type: single nucleotide variant.
Coding change: c.3547A>G on transcript NM_025132.4 (MANE Select); coding-DNA position 3547, A replaced by G.
Protein change: p.Ile1183Val; replaces isoleucine 1183 with valine.
Molecular consequence: missense variant.
Genome position (GRCh38, 1-based): chr4:39,273,043, A>G. VCF-style: chr4-39273043-A-G. GRCh37 (hg19) VCF-style: chr4-39274663-A-G.
Other names: c.3067A>G, p.Ile1023Val (NM_001317924.2); short protein forms I1183V, I1023V.
Identifiers: ClinVar variation 2050347 (VCV002050347.4), dbSNP rs1286801775, ClinGen allele CA356647481.

ClinVar aggregate classification (germline): Uncertain significance (1 of 4 stars; one submission).

Conditions:
Asphyxiating thoracic dystrophy 5 (SRTD5). Also called: SHORT-RIB THORACIC DYSPLASIA 5 WITH OR WITHOUT POLYDACTYLY; SHORT-RIB THORACIC DYSPLASIA 5 WITHOUT POLYDACTYLY. Identifiers: Orphanet 474, MedGen C3280598, MONDO:0013717, OMIM 614376.
Senior-Loken syndrome 8 (SLSN8). Identifiers: Orphanet 3156, MedGen C4225376, MONDO:0014579, OMIM 616307.

Submission:

Labcorp Genetics (formerly Invitae), Labcorp
Classification: Uncertain significance for Senior-Loken syndrome 8; Asphyxiating thoracic dystrophy 5. Last evaluated: 2022-06-04. Review status: criteria provided, single submitter. Criteria: Invitae Variant Classification Sherloc (09022015). Collection method: clinical testing. Allele origin: germline.
Comment: Algorithms developed to predict the effect of missense changes on protein structure and function (SIFT, PolyPhen-2, Align-GVGD) all suggest that this variant is likely to be disruptive. Algorithms developed to predict the effect of sequence changes on RNA splicing suggest that this variant may create or strengthen a splice site. In summary, the available evidence is currently insufficient to determine the role of this variant in disease. Therefore, it has been classified as a Variant of Uncertain Significance. This variant has not been reported in the literature in individuals affected with WDR19-related conditions. This variant is not present in population databases (gnomAD no frequency). This sequence change replaces isoleucine, which is neutral and non-polar, with valine, which is neutral and non-polar, at codon 1183 of the WDR19 protein (p.Ile1183Val).